The following is an entry in ClinVar:

ClinVar aggregate classification (germline): Uncertain significance (1 of 4 stars; one submission).

Allele frequency attached by ClinVar (database versions not stated): ExAC 0.00001; gnomAD 0.00001; gnomAD exomes 0.00001 and 0.00002; TOPMed 0.00001.

Submission:

GeneDx
Classification: Uncertain significance. Last evaluated: 2019-06-07. Review status: criteria provided, single submitter. Criteria: GeneDx Variant Classification Process June 2021. Collection method: clinical testing. Allele origin: germline. Affected: yes.
Comment: In silico analysis, which includes protein predictors and evolutionary conservation, supports a deleterious effect; Observed in affected individuals from a family with dental anomalies in published literature (Kantaputra et al., 2018) who also harbored a pathogenic variant in WNT10A which likely explained the phenotype; This variant is associated with the following publications: (PMID: 29364501)

NM_003394.4(WNT10B):c.1087C>T (p.Arg363Cys)

Gene: WNT10B (Wnt family member 10B; minus strand). Cytogenetic location: 12q13.12.
Variant type: single nucleotide variant.
Coding change: c.1087C>T on transcript NM_003394.4 (MANE Select); coding-DNA position 1087, C replaced by T.
Protein change: p.Arg363Cys; replaces arginine 363 with cysteine.
Molecular consequence: missense variant.
Genome position (GRCh38, 1-based): chr12:48,966,178, G>A on the plus strand (C>T on the coding strand, the complement: WNT10B is on the minus strand). VCF-style: chr12-48966178-G-A. GRCh37 (hg19) VCF-style: chr12-49359961-G-A.
Other names: short protein forms R363C.
Identifiers: ClinVar variation 1306587 (VCV001306587.2), dbSNP rs772141128, ClinGen allele CA6544034.